The following is an entry in ClinVar:

ClinVar aggregate classification (germline): Likely pathogenic (1 of 4 stars; one submission).

Conditions:
Hypermethioninemia with deficiency of S-adenosylhomocysteine hydrolase. Identifiers: Orphanet 88618, MedGen C3151058, MONDO:0013404, OMIM 613752.

Submission:

Labcorp Genetics (formerly Invitae), Labcorp
Classification: Likely pathogenic for Hypermethioninemia with deficiency of S-adenosylhomocysteine hydrolase. Last evaluated: 2025-12-24. Review status: criteria provided, single submitter. Criteria: Invitae Variant Classification Sherloc (09022015). Collection method: clinical testing. Allele origin: germline.
Comment: This sequence change affects a splice site in intron 5 of the AHCY gene. It is expected to disrupt RNA splicing. Variants that disrupt the donor or acceptor splice site typically lead to a loss of protein function (PMID: 16199547), and loss-of-function variants in AHCY are known to be pathogenic (PMID: 15024124, 20852937). Information on the frequency of this variant in the gnomAD database is not available, as this variant may be reported differently in the database. This variant has not been reported in the literature in individuals affected with AHCY-related conditions. ClinVar contains an entry for this variant (Variation ID: 2912157). In summary, the currently available evidence indicates that the variant is pathogenic, but additional data are needed to prove that conclusively. Therefore, this variant has been classified as Likely Pathogenic.

Literature cited by the submitters: PubMed 16199547; PubMed 15024124; PubMed 20852937.

NM_000687.4(AHCY):c.558+1_558+2delinsCG

Gene: AHCY (adenosylhomocysteinase; minus strand). Cytogenetic location: 20q11.22.
Variant type: Indel.
Coding change: c.558+1_558+2delinsCG on transcript NM_000687.4 (MANE Select); the canonical splice donor site of the intron after coding-DNA position 558, GT replaced by CG.
Molecular consequence: splice donor variant.
Genome position (GRCh38, 1-based): chr20:34,291,417-34,291,418, AC replaced by CG on the plus strand (GT replaced by CG on the coding strand, the reverse complement: AHCY is on the minus strand). VCF-style: chr20-34291417-AC-CG. GRCh37 (hg19) VCF-style: chr20-32879223-AC-CG.
Other names: c.474+1_474+2delinsCG (NM_001161766.2, NM_001322085.2, NM_001322084.2); c.558+1_558+2delinsCG (NM_001362750.2); c.564+1_564+2delinsCG (NM_001322086.2).
Identifiers: ClinVar variation 2912157 (VCV002912157.3), dbSNP rs2515180222, ClinGen allele CA2739277146.